The following is an entry in ClinVar:

NM_001854.4(COL11A1):c.1791+1G>C

Gene: COL11A1 (collagen type XI alpha 1 chain; minus strand). Cytogenetic location: 1p21.1.
Variant type: single nucleotide variant.
Coding change: c.1791+1G>C on transcript NM_001854.4 (MANE Select); the canonical splice donor site of the intron after coding-DNA position 1791, G replaced by C.
Molecular consequence: splice donor variant.
Genome position (GRCh38, 1-based): chr1:103,006,067, C>G on the plus strand (G>C on the coding strand, the complement: COL11A1 is on the minus strand). VCF-style: chr1-103006067-C-G. GRCh37 (hg19) VCF-style: chr1-103471623-C-G.
Other names: c.1674+1G>C (NM_001190709.2); c.1827+1G>C (NM_080629.3); c.1443+1G>C (NM_080630.4).
Identifiers: ClinVar variation 4725688 (VCV004725688.1).
Genomic context (GRCh38, chr1:103,006,067, plus strand): 5'-ATAAAATTTTCCAGAGTGAACTGACACAGGATGTGAATATAAAAATATGTGAGCTCCTGA[C>G]CTTTGCCCCAGGTTCTCCTGGCATTCCTCTTCCTCCATCTGCACCTGGACGACCCTAATA-3'

ClinVar aggregate classification (germline): Likely pathogenic (1 of 4 stars; one submission).

Submission:

Labcorp Genetics (formerly Invitae), Labcorp
Classification: Likely pathogenic. Last evaluated: 2025-10-03. Review status: criteria provided, single submitter. Criteria: Invitae Variant Classification Sherloc (09022015). Collection method: clinical testing. Allele origin: germline.
Comment: This sequence change affects a donor splice site in intron 17 of the COL11A1 gene. It is expected to disrupt RNA splicing. Variants that disrupt the donor or acceptor splice site typically lead to a loss of protein function (PMID: 16199547), and loss-of-function variants in COL11A1 are known to be pathogenic (PMID: 20513134, 21035103, 23922384, 25240749, 32427345, 32756486). This variant is not present in population databases (gnomAD no frequency). This variant has not been reported in the literature in individuals affected with COL11A1-related conditions. Algorithms developed to predict the effect of sequence changes on RNA splicing suggest that this variant may disrupt the consensus splice site. In summary, the currently available evidence indicates that the variant is pathogenic, but additional data are needed to prove that conclusively. Therefore, this variant has been classified as Likely Pathogenic.

Literature cited by the submitters: PubMed 16199547; PubMed 20513134; PubMed 21035103; PubMed 23922384; PubMed 25240749; PubMed 32427345; PubMed 32756486.